The following is an entry in ClinVar:

NM_000059.4(BRCA2):c.1792A>G (p.Thr598Ala)

Gene: BRCA2 (BRCA2 DNA repair associated; plus strand). Cytogenetic location: 13q13.1.
Variant type: single nucleotide variant.
Coding change: c.1792A>G on transcript NM_000059.4 (MANE Select); coding-DNA position 1792, A replaced by G.
Protein change: p.Thr598Ala; replaces threonine 598 with alanine.
Molecular consequence: missense variant.
Genome position (GRCh38, 1-based): chr13:32,333,270, A>G. VCF-style: chr13-32333270-A-G. GRCh37 (hg19) VCF-style: chr13-32907407-A-G.
Other names: p.T598A:ACA>GCA; short protein forms T598A.
Identifiers: ClinVar variation 41543 (VCV000041543.120), dbSNP rs28897710, ClinGen allele CA013229.

ClinVar aggregate classification (germline): Benign. Review status: reviewed by expert panel (3 of 4 stars). 38 submissions from 37 submitters: Benign (1). 37 of the submissions do not count toward it. Last evaluated 2019-06-18.

Conditions:
Breast neoplasm. Also called: Neoplasm of breast; Breast tumor; Breast Neoplasms; Neoplasm of the breast. Identifiers: MedGen C1458155, MeSH D001943, MONDO:0021100, HP:0100013. Disease mechanism: gain of function.
Breast and/or ovarian cancer. Identifiers: MedGen CN221562.
Hereditary cancer-predisposing syndrome. Also called: Tumor predisposition; Neoplastic Syndromes, Hereditary; Hereditary Cancer Syndrome; Hereditary neoplastic syndrome. Identifiers: Orphanet 140162, MedGen C0027672, MeSH D009386, MONDO:0015356.
Hereditary breast ovarian cancer syndrome. Also called: Hereditary breast and ovarian cancer syndrome; Hereditary breast and ovarian cancer; Hereditary breast and ovarian cancer syndrome (HBOC); Hereditary breast and/or ovarian cancer syndrome; Breast and ovarian cancer; BRCA1- and BRCA2-Associated Hereditary Breast and Ovarian Cancer. Identifiers: Orphanet 145, MedGen C0677776, MeSH D061325, MONDO:0003582. Disease mechanism: loss of function.
Breast-ovarian cancer, familial, susceptibility to, 2 (BROVCA2). Also called: BRCA2 Hereditary Breast and Ovarian Cancer. Identifiers: Orphanet 145, MedGen C2675520, MONDO:0012933, OMIM 612555. Disease mechanism: loss of function.
Fanconi anemia complementation group D1. Also called: BRCA2-Related Fanconi Anemia. Identifiers: Orphanet 319462, MedGen C1838457, MONDO:0011584, OMIM 605724.
Familial cancer of breast. Also called: Hereditary breast cancer; BREAST CANCER, FAMILIAL; hereditary breast carcinoma. Identifiers: Orphanet 227535, MedGen C0346153, MONDO:0016419, OMIM 114480. Disease mechanism: loss of function.

Allele frequency attached by ClinVar (database versions not stated): ExAC 0.00231; 1000 Genomes Project 30x 0.00047; 1000 Genomes Project 0.00060; TOPMed 0.00117; ESP Exome Variant Server 0.00146; gnomAD 0.00172 and 0.00182; gnomAD exomes 0.00221.
gnomAD v4.1: 2,966 of 1,607,614 alleles (0.18%); highest among the groups gnomAD compares: Non-Finnish European, 0.19%; 6 homozygotes.

Submissions 1 to 21 of 38:

Evidence-based Network for the Interpretation of Germline Mutant Alleles (ENIGMA)
Classification: Benign for Breast-ovarian cancer, familial, susceptibility to, 2. Last evaluated: 2019-06-18. Review status: reviewed by expert panel. Criteria: ENIGMA BRCA1/2 Classification Criteria (2017-06-29). Collection method: curation. Allele origin: germline.
Comment: IARC class based on posterior probability from multifactorial likelihood analysis, thresholds for class as per Plon et al. 2008 (PMID: 18951446). Class 1 based on posterior probability = 0.000045

CeGaT Center for Human Genetics Tuebingen
Classification: Benign. Last evaluated: 2026-05-01. Review status: criteria provided, single submitter. Criteria: CeGaT Center For Human Genetics Tuebingen Variant Classification Criteria Version 2. Collection method: clinical testing. Allele origin: germline. Affected: yes. Observed: 41 variant alleles. Not counted in ClinVar's aggregate classification.
Comment: BRCA2: BP1, BP4, BS3:Supporting, BS1

Labcorp Genetics (formerly Invitae), Labcorp
Classification: Benign for Hereditary breast ovarian cancer syndrome. Last evaluated: 2026-02-02. Review status: criteria provided, single submitter. Criteria: Invitae Variant Classification Sherloc (09022015). Collection method: clinical testing. Allele origin: germline. Not counted in ClinVar's aggregate classification.

ARUP Laboratories, Molecular Genetics and Genomics, ARUP Laboratories
Classification: Benign. Last evaluated: 2025-05-26. Review status: criteria provided, single submitter. Criteria: ARUP Molecular Germline Variant Investigation Process 2024. Collection method: clinical testing. Allele origin: germline. Not counted in ClinVar's aggregate classification.

Center for Genomic Medicine, Rigshospitalet, Copenhagen University Hospital
Classification: Benign. Last evaluated: 2025-03-04. Review status: criteria provided, single submitter. Criteria: ACMG Guidelines, 2015. Collection method: clinical testing. Allele origin: germline. Not counted in ClinVar's aggregate classification.

Blueprint Genetics
Classification: Likely benign. Last evaluated: 2024-11-25. Review status: criteria provided, single submitter. Criteria: ACMG Guidelines, 2015. Collection method: clinical testing. Allele origin: germline. Not counted in ClinVar's aggregate classification.

Institute for Clinical Genetics, University Hospital TU Dresden, University Hospital TU Dresden
Classification: Benign. Last evaluated: 2021-11-03. Review status: criteria provided, single submitter. Criteria: ACMG Guidelines, 2015. Collection method: clinical testing. Allele origin: germline. Not counted in ClinVar's aggregate classification.

Genetics Program, Instituto Nacional de Cancer
Classification: Likely benign for Hereditary breast ovarian cancer syndrome. Last evaluated: 2021-11-01. Review status: criteria provided, single submitter. Criteria: ACMG Guidelines, 2015. Collection method: research. Allele origin: germline. Affected: yes. Not counted in ClinVar's aggregate classification.

Genetic Services Laboratory, University of Chicago
Classification: Likely benign. Last evaluated: 2021-01-05. Review status: criteria provided, single submitter. Criteria: ACMG Guidelines, 2015. Collection method: clinical testing. Allele origin: germline. Affected: no. Not counted in ClinVar's aggregate classification.

Johns Hopkins Genomics, Johns Hopkins University
Classification: Benign for Breast-ovarian cancer, familial, susceptibility to, 2. Last evaluated: 2020-10-02. Review status: criteria provided, single submitter. Criteria: ACMG Guidelines, 2015. Collection method: clinical testing. Allele origin: germline. Not counted in ClinVar's aggregate classification.

Quest Diagnostics Nichols Institute San Juan Capistrano
Classification: Benign. Last evaluated: 2020-06-15. Review status: criteria provided, single submitter. Criteria: Quest Diagnostics criteria. Collection method: clinical testing. Allele origin: unknown. Not counted in ClinVar's aggregate classification.

Sema4
Classification: Benign for Hereditary cancer-predisposing syndrome. Last evaluated: 2020-05-10. Review status: criteria provided, single submitter. Criteria: Sema4 Curation Guidelines. Collection method: curation. Allele origin: germline. Not counted in ClinVar's aggregate classification.

Mendelics
Classification: Likely benign for Breast-ovarian cancer, familial, susceptibility to, 2. Last evaluated: 2019-05-28. Review status: criteria provided, single submitter. Criteria: Mendelics Assertion Criteria 2017. Collection method: clinical testing. Allele origin: unknown. Not counted in ClinVar's aggregate classification.

Institute of Human Genetics, University of Leipzig Medical Center
Classification: Likely benign for Familial cancer of breast. Last evaluated: 2019-01-01. Review status: criteria provided, single submitter. Criteria: ACMG Guidelines, 2015. Collection method: clinical testing. Allele origin: unknown. Affected: yes. Not counted in ClinVar's aggregate classification.

Illumina Laboratory Services, Illumina
Classification: Likely benign for Breast-ovarian cancer, familial, susceptibility to, 2. Last evaluated: 2018-03-06. Review status: criteria provided, single submitter. Criteria: ICSL Variant Classification Criteria 13 December 2019. Collection method: clinical testing. Allele origin: germline. Not counted in ClinVar's aggregate classification.
Comment: This variant was observed in the ICSL laboratory as part of a predisposition screen in an ostensibly healthy population. It had not been previously curated by ICSL or reported in the Human Gene Mutation Database (HGMD: prior to June 1st, 2018), and was therefore a candidate for classification through an automated scoring system. Utilizing variant allele frequency, disease prevalence and penetrance estimates, and inheritance mode, an automated score was calculated to assess if this variant is too frequent to cause the disease. Based on the score and internal cut-off values, a variant classified as likely benign is not then subjected to further curation. The score for this variant resulted in a classification of likely benign for this disease.

Illumina Laboratory Services, Illumina
Classification: Likely benign for Fanconi anemia complementation group D1. Last evaluated: 2018-03-06. Review status: criteria provided, single submitter. Criteria: ICSL Variant Classification Criteria 13 December 2019. Collection method: clinical testing. Allele origin: germline. Not counted in ClinVar's aggregate classification.
Comment: the same text as in the submission from Illumina Laboratory Services, Illumina above.

CHEO Genetics Diagnostic Laboratory, Children's Hospital of Eastern Ontario
Classification: Benign for Breast and/or ovarian cancer. Last evaluated: 2016-04-21. Review status: criteria provided, single submitter. Criteria: ACMG Guidelines, 2015. Collection method: clinical testing. Allele origin: germline. Study: Canadian Open Genetics Repository. Not counted in ClinVar's aggregate classification.

Laboratory for Molecular Medicine, Mass General Brigham Personalized Medicine
Classification: Likely benign. Last evaluated: 2016-03-28. Review status: criteria provided, single submitter. Criteria: LMM Criteria. Collection method: clinical testing. Allele origin: germline. Not counted in ClinVar's aggregate classification.
Comment: Variant identified in a genome or exome case(s) and assessed due to predicted null impact of the variant or pathogenic assertions in the literature or databases. Disclaimer: This variant has not undergone full assessment. The following are preliminary notes: ExAC: 0.8% (53/6604) Finnish chromosomes

Clinical Genetics DNA and cytogenetics Diagnostics Lab, Erasmus MC, Erasmus Medical Center
Classification: Benign for Breast-ovarian cancer, familial, susceptibility to, 2. Last evaluated: 2015-09-21. Review status: criteria provided, single submitter. Criteria: ACGS Guidelines, 2013. Collection method: clinical testing. Allele origin: germline. Affected: yes. Study: VKGL Data-share Consensus. Not counted in ClinVar's aggregate classification.

Color Diagnostics, LLC DBA Color Health
Classification: Likely benign for Hereditary cancer-predisposing syndrome. Last evaluated: 2015-02-15. Review status: criteria provided, single submitter. Criteria: ACMG Guidelines, 2015. Collection method: clinical testing. Allele origin: germline. Not counted in ClinVar's aggregate classification.

Eurofins Ntd Llc (ga)
Classification: Benign. Last evaluated: 2015-01-16. Review status: criteria provided, single submitter. Criteria: EGL Classification Definitions 2015. Collection method: clinical testing. Allele origin: germline. Observed: 3 variant alleles, 3 heterozygotes. Not counted in ClinVar's aggregate classification.